The following is an entry in ClinVar:

NM_002738.7(PRKCB):c.981A>G (p.Lys327=)

Gene: PRKCB (protein kinase C beta; plus strand). Cytogenetic location: 16p12.2.
Variant type: single nucleotide variant.
Coding change: c.981A>G on transcript NM_002738.7 (MANE Select); coding-DNA position 981, A replaced by G.
Protein change: p.Lys327=; no amino-acid change (lysine 327 retained).
Molecular consequence: synonymous variant.
Genome position (GRCh38, 1-based): chr16:24,123,897, A>G. VCF-style: chr16-24123897-A-G. GRCh37 (hg19) VCF-style: chr16-24135218-A-G.
Other names: c.981A>G, p.Lys327= (NM_212535.3).
Identifiers: ClinVar variation 3045104 (VCV003045104.2), dbSNP rs114856527, ClinGen allele CA7966368.

ClinVar aggregate classification (germline): Likely benign (0 of 4 stars; one submission).

Conditions:
PRKCB-related disorder. Also called: PRKCB-related condition.

Allele frequency attached by ClinVar (database versions not stated): gnomAD exomes 0.00006; gnomAD 0.00013; ExAC 0.00014; TOPMed 0.00015; 1000 Genomes Project 30x 0.00016; 1000 Genomes Project 0.00020.
gnomAD v4.1: 157 of 1,614,168 alleles (0.0097%); highest among the groups gnomAD compares: East Asian, 0.13%; 3 homozygotes.

Submission:

PreventionGenetics, part of Exact Sciences
Classification: Likely benign for PRKCB-related condition. Last evaluated: 2024-01-03. Review status: no assertion criteria provided. Collection method: clinical testing. Allele origin: germline.
Comment: This variant is classified as likely benign based on ACMG/AMP sequence variant interpretation guidelines (Richards et al. 2015 PMID: 25741868, with internal and published modifications).